The following is an entry in ClinVar:

NM_001851.6(COL9A1):c.832G>T (p.Gly278Trp)

Gene: COL9A1 (collagen type IX alpha 1 chain; minus strand). Cytogenetic location: 6q13.
Variant type: single nucleotide variant.
Coding change: c.832G>T on transcript NM_001851.6 (MANE Select); coding-DNA position 832, G replaced by T.
Protein change: p.Gly278Trp; replaces glycine 278 with tryptophan.
Molecular consequence: missense variant. On other transcripts: non-coding transcript variant (1).
Genome position (GRCh38, 1-based): chr6:70,281,434, C>A on the plus strand (G>T on the coding strand, the complement: COL9A1 is on the minus strand). VCF-style: chr6-70281434-C-A. GRCh37 (hg19) VCF-style: chr6-70991137-C-A.
Other names: c.103G>T, p.Gly35Trp (NM_001377289.1, NM_001377290.1, NM_078485.4); c.832G>T, p.Gly278Trp (NM_001377291.1); short protein forms G278W, G35W.
Identifiers: ClinVar variation 1320739 (VCV001320739.2), dbSNP rs1224223702, ClinGen allele CA364665988.

ClinVar aggregate classification (germline): Uncertain significance (1 of 4 stars; one submission).

Submission:

GeneDx
Classification: Uncertain significance. Last evaluated: 2019-12-09. Review status: criteria provided, single submitter. Criteria: GeneDx Variant Classification Process June 2021. Collection method: clinical testing. Allele origin: germline. Affected: yes.
Comment: Has not been previously published as pathogenic or benign to our knowledge; Not observed in large population cohorts (Lek et al., 2016); In silico analysis, which includes protein predictors and evolutionary conservation, supports a deleterious effect